The following is an entry in ClinVar:

NM_017777.4(MKS1):c.225G>T (p.Glu75Asp)

Gene: MKS1 (MKS transition zone complex subunit 1; minus strand). Cytogenetic location: 17q22.
Variant type: single nucleotide variant.
Coding change: c.225G>T on transcript NM_017777.4 (MANE Select); coding-DNA position 225, G replaced by T.
Protein change: p.Glu75Asp; replaces glutamic acid 75 with aspartic acid.
Molecular consequence: missense variant. On other transcripts: 5 prime UTR variant (1).
Genome position (GRCh38, 1-based): chr17:58,216,702, C>A on the plus strand (G>T on the coding strand, the complement: MKS1 is on the minus strand). VCF-style: chr17-58216702-C-A. GRCh37 (hg19) VCF-style: chr17-56294063-C-A.
Other names: c.-287G>T (NM_001321268.2); c.225G>T, p.Glu75Asp (NM_001321269.2, NM_001330397.2); short protein forms E75D.
Identifiers: ClinVar variation 1378711 (VCV001378711.5), dbSNP rs775351056, ClinGen allele CA8669600.

ClinVar aggregate classification (germline): Uncertain significance (1 of 4 stars; one submission).

Conditions:
Joubert syndrome. Also called: CEREBELLOPARENCHYMAL DISORDER IV; JOUBERT-BOLTSHAUSER SYNDROME; Familial aplasia of the vermis. Identifiers: Orphanet 475, MedGen C5979921, MONDO:0018772.
Meckel-Gruber syndrome. Also called: DYSENCEPHALIA SPLANCHNOCYSTICA; GRUBER SYNDROME; Dysencephalia splachnocystica. Identifiers: Orphanet 564, MedGen C0265215, MONDO:0018921.

Allele frequency attached by ClinVar (database versions not stated): gnomAD 0.00001.
gnomAD v4.1: 3 of 1,614,096 alleles (0.00019%); highest among the groups gnomAD compares: Non-Finnish European, 0.00025%; no homozygotes.

Submission:

Labcorp Genetics (formerly Invitae), Labcorp
Classification: Uncertain significance for Joubert syndrome; Meckel-Gruber syndrome. Last evaluated: 2021-08-31. Review status: criteria provided, single submitter. Criteria: Invitae Variant Classification Sherloc (09022015). Collection method: clinical testing. Allele origin: germline.
Comment: This sequence change replaces glutamic acid with aspartic acid at codon 75 of the MKS1 protein (p.Glu75Asp). The glutamic acid residue is moderately conserved and there is a small physicochemical difference between glutamic acid and aspartic acid. This variant is present in population databases (rs775351056, ExAC 0.002%). This variant has not been reported in the literature in individuals affected with MKS1-related conditions. Algorithms developed to predict the effect of missense changes on protein structure and function are either unavailable or do not agree on the potential impact of this missense change (SIFT: "Tolerated"; PolyPhen-2: "Possibly Damaging"; Align-GVGD: "Class C0"). In summary, the available evidence is currently insufficient to determine the role of this variant in disease. Therefore, it has been classified as a Variant of Uncertain Significance.